The following is an entry in ClinVar:

ClinVar aggregate classification (germline): Likely pathogenic (1 of 4 stars; one submission).

Conditions:
Alport syndrome. Also called: Hemorrhagic familial nephritis; Hemorrhagic hereditary nephritis; Congenital hereditary hematuria. Identifiers: Orphanet 63, MedGen C1567741, MONDO:0018965.

Submission:

Victorian Clinical Genetics Services, Murdoch Childrens Research Institute
Classification: Likely pathogenic for Alport syndrome. Last evaluated: 2024-10-09. Review status: criteria provided, single submitter. Criteria: ACMG Guidelines, 2015. Collection method: clinical testing. Allele origin: germline. Affected: yes.
Comment: Based on the classification scheme VCGS_Germline_v1.3.4, this variant is classified as Likely pathogenic. Following criteria are met: 0103 - Loss of function is a known mechanism of disease for this gene and is associated with Alport syndrome. Dominant negative is a suspected mechanism of disease for this gene as it is a structural protein (PMIDs: 12028435, 24046192). (I) 0108 - This gene is associated with both recessive and dominant disease. Alport syndrome typically has biallelic inheritance, although rare cases of monoallelic inheritance have been reported (PMID: 28704582). Thin basement membrane nephropathy (TBMN) and focal segmental glomerulosclerosis (FSGS) are associated with autosomal dominant inheritance (OMIM, PMIDs: 16467446, 17942953). (I) 0211 - Canonical splice site variant without proven consequence on splicing (no functional evidence available). (SP) 0251 - This variant is heterozygous. (I) 0301 - Variant is absent from gnomAD (both v2 and v3). (SP) 0311 - An alternative nucleotide change at the same canonical splice site is present in gnomAD (v2: 1 heterozygote, 0 homozygotes). (I) 0505 - Abnormal splicing is predicted by in silico tools and affected nucleotide is highly conserved. (SP) 0703 - Other splice variants comparable to the one identified in this case have moderate previous evidence for pathogenicity. c.558+4_558+7del has been reported as likely pathogenic with predicted skipping of exon 8 in one family (PMID: 35121647), and c.558+1G>A has been reported as pathogenic in one individual with Alport syndrome (PMID: 33532864). (SP) 0807 - This variant has no previous evidence of pathogenicity. (I) 0905 - No published segregation evidence has been identified for this variant. (I) 1007 - No published functional evidence has been identified for this variant. (I) 1208 - Inheritance information for this variant is not currently available in this individual. (I) Legend: (SP) - Supporting pathogenic, (I) - Information, (SB) - Supporting benign

Literature cited by the submitters: PubMed 12028435; PubMed 16467446; PubMed 17942953; PubMed 24046192; PubMed 28704582; PubMed 33532864; PubMed 35121647.

NM_000092.5(COL4A4):c.558+1del

Gene: COL4A4 (collagen type IV alpha 4 chain; minus strand). Cytogenetic location: 2q36.3.
Variant type: Deletion.
Coding change: c.558+1del on transcript NM_000092.5 (MANE Select); the canonical splice donor site of the intron after coding-DNA position 558, one base deleted (G; older notation c.558+1delG).
Molecular consequence: splice donor variant.
Genome position (GRCh38, 1-based): chr2:227,114,627, C deleted on the plus strand (G on the coding strand, the reverse complement: COL4A4 is on the minus strand); the first of 2 consecutive C bases (chr2:227,114,627-227,114,628); deleting either gives the same sequence. VCF-style (leftmost placement, unchanged base first): chr2-227114626-AC-A. GRCh37 (hg19) VCF-style: chr2-227979342-AC-A.
Identifiers: ClinVar variation 3377035 (VCV003377035.1).
Genomic context (GRCh38, chr2:227,114,626, plus strand): 5'-CTGCATGGGCTTACCTATTTGGAAGAAAAAATTTTTTAACCCATCATGATCATAATACTT[AC>A]CTGAATACCTTTAACGGCACCTAAAATGAACACTGAATTTCCTTTTTCTCCCTTTTCCCC-3'